The following is an entry in ClinVar:

ClinVar aggregate classification (germline): Pathogenic (1 of 4 stars; one submission).

Conditions:
Inborn genetic diseases. Identifiers: MedGen C0950123, MeSH D030342.

Submission:

Ambry Genetics
Classification: Pathogenic for Inborn genetic diseases. Last evaluated: 2020-07-24. Review status: criteria provided, single submitter. Criteria: Ambry Variant Classification Scheme 2023. Collection method: clinical testing. Allele origin: germline.
Comment: The c.1124_1126delGCAinsCC variant, located in coding exon 9 of the SCN9A gene, results from the deletion of three nucleotides and insertion of two nucleotides causing a translational frameshift with a predicted alternate stop codon (p.G375Afs*5). This alteration was previously reported in a homozygous state (listed as a combination of the two alterations c.1126A>C and c.1124delG) in an individual presenting with a congenital insensitivity to pain phenotype (Shorer Z et al. Pediatr. Neurol., 2014 Jan;50:73-6). This alteration is expected to result in loss of function by premature protein truncation or nonsense-mediated mRNA decay. As such, this alteration is interpreted as a disease-causing mutation.

Literature cited by the submitters: PubMed 24188911.

NM_001365536.1(SCN9A):c.1124_1126delinsCC (p.Gly375fs)

Genes: SCN1A-AS1 (SCN1A and SCN9A antisense RNA 1; plus strand), SCN9A (sodium voltage-gated channel alpha subunit 9; minus strand). Cytogenetic location: 2q24.3.
Variant type: Indel.
Coding change: c.1124_1126delinsCC on transcript NM_001365536.1 (MANE Select); coding-DNA positions 1124 to 1126, GCA replaced by CC.
Protein change: p.Gly375fs; shifts the reading frame from glycine 375.
Molecular consequence: frameshift variant.
Genome position (GRCh38, 1-based): chr2:166,288,625-166,288,627, TGC replaced by GG on the plus strand (GCA replaced by CC on the coding strand, the reverse complement: SCN9A is on the minus strand). VCF-style: chr2-166288625-TGC-GG. GRCh37 (hg19) VCF-style: chr2-167145135-TGC-GG.
Other names: c.1124_1126delGCAinsCC (NM_002977.3); c.1124_1126delGCAinsCC, p.Gly375Alafs (NM_002977.4); short protein forms G375fs.
Identifiers: ClinVar variation 1798523 (VCV001798523.2), dbSNP rs2468048933, ClinGen allele CA2580064494.